The following is an entry in ClinVar:

NM_001037333.3(CYFIP2):c.3601A>C (p.Lys1201Gln)

Genes: CYFIP2 (cytoplasmic FMR1 interacting protein 2; plus strand), NIPAL4-DT (NIPAL4 divergent transcript; minus strand). Cytogenetic location: 5q33.3.
Variant type: single nucleotide variant.
Coding change: c.3601A>C on transcript NM_001037333.3 (MANE Select); coding-DNA position 3601, A replaced by C.
Protein change: p.Lys1201Gln; replaces lysine 1201 with glutamine.
Molecular consequence: missense variant.
Genome position (GRCh38, 1-based): chr5:157,392,839, A>C. VCF-style: chr5-157392839-A-C. GRCh37 (hg19) VCF-style: chr5-156819847-A-C.
Other names: c.3523A>C, p.Lys1175Gln (NM_001291721.2); c.3676A>C, p.Lys1226Gln (NM_001291722.2); c.3601A>C, p.Lys1201Gln (NM_014376.4); short protein forms K1175Q, K1226Q, K1201Q.
Identifiers: ClinVar variation 2753502 (VCV002753502.3), dbSNP rs2532761338, ClinGen allele CA361983327.
Genomic context (GRCh38, chr5:157,392,839, plus strand): 5'-CTTTCCACCCCCACTTTGTCCTGCCCTAACTTGAACATCCCCTTCCTTCTGTAGCCCCTG[A>C]AGAAGATGGCCGACCGGATCAGGAAGTATCAGATCTTGAACAATGAGGTTTTTGCCATCC-3'
Protein context (NP_001032410.1, residues 1191-1211): KDEIIKNVPL[Lys1201Gln]KMADRIRKYQ

ClinVar aggregate classification (germline): Uncertain significance (1 of 4 stars; one submission).

Submission:

Labcorp Genetics (formerly Invitae), Labcorp
Classification: Uncertain significance. Last evaluated: 2023-08-17. Review status: criteria provided, single submitter. Criteria: Invitae Variant Classification Sherloc (09022015). Collection method: clinical testing. Allele origin: germline.
Comment: In summary, the available evidence is currently insufficient to determine the role of this variant in disease. Therefore, it has been classified as a Variant of Uncertain Significance. Experimental studies and prediction algorithms are not available or were not evaluated, and the functional significance of this variant is currently unknown. This variant has not been reported in the literature in individuals affected with CYFIP2-related conditions. This variant is not present in population databases (gnomAD no frequency). This sequence change replaces lysine, which is basic and polar, with glutamine, which is neutral and polar, at codon 1201 of the CYFIP2 protein (p.Lys1201Gln).